The following is an entry in ClinVar:

NM_175914.5(HNF4A):c.1033G>T (p.Asp345Tyr)

Gene: HNF4A (hepatocyte nuclear factor 4 alpha; plus strand). Cytogenetic location: 20q13.12.
Variant type: single nucleotide variant.
Coding change: c.1033G>T on transcript NM_175914.5 (MANE Select); coding-DNA position 1033, G replaced by T.
Protein change: p.Asp345Tyr; replaces aspartic acid 345 with tyrosine.
Molecular consequence: missense variant.
Genome position (GRCh38, 1-based): chr20:44,424,224, G>T. VCF-style: chr20-44424224-G-T. GRCh37 (hg19) VCF-style: chr20-43052864-G-T.
Other names: NM_175914.5(HNF4A):c.1033G>T; p.Asp345Tyr; c.1099G>T, p.Asp367Tyr (NM_000457.6, NM_178849.3, NM_178850.3); c.1033G>T, p.Asp345Tyr (NM_001030003.3, NM_001030004.3); c.1078G>T, p.Asp360Tyr (NM_001258355.2); c.1024G>T, p.Asp342Tyr (NM_001287182.2, NM_001287183.2, NM_001287184.2); short protein forms D342Y, D345Y, D360Y, D367Y.
Identifiers: ClinVar variation 1700658 (VCV001700658.2), dbSNP rs2515714792, ClinGen allele CA409108716.

ClinVar aggregate classification (germline): Likely pathogenic. Review status: reviewed by expert panel (3 of 4 stars). 2 submissions from 2 submitters: Likely pathogenic (1). 1 of the submissions does not count toward it. Last evaluated 2025-01-29.

Conditions:
Monogenic diabetes. Identifiers: Orphanet 183625, MedGen C3888631, MONDO:0015967.
Maturity-onset diabetes of the young type 1. Also called: MILD JUVENILE DIABETES MELLITUS; MODY, type I; MODY type 1; Diabetes mellitus MODY type 1; MODY HNF4A related; HNF4A-Related Maturity-Onset Diabetes of the Young Type 1. Identifiers: Orphanet 552, MedGen C1852093, MONDO:0007452, OMIM 125850. Disease mechanism: loss of function.

Allele frequency attached by ClinVar (database versions not stated): gnomAD exomes below 0.00001.
gnomAD v4.1: 1 of 1,614,090 alleles (0.000062%); highest among the groups gnomAD compares: Non-Finnish European, 0.000085%; no homozygotes.

Submissions (2):

ClinGen Monogenic Diabetes Variant Curation Expert Panel
Classification: Likely pathogenic for Monogenic diabetes. Last evaluated: 2025-01-29. Review status: reviewed by expert panel. Criteria: ClinGen Diabetes ACMG Specifications HNF4A V2.0.0. Collection method: curation. Allele origin: germline. Inheritance: Autosomal dominant inheritance.
Comment: The c.1033G>T variant in the HNF4 homeobox A gene, HNF4A, causes an amino acid change of aspartic acid to tyrosine at codon 345 (p.(Asp345Tyr)) of NM_175914.5. This variant is absent from gnomAD v2.1.1 (PM2_Supporting). This variant is predicted to be deleterious by computational evidence, with a REVEL score of 0.913, which is greater than the MDEP threshold of 0.70 (PP3). This variant is located within the ligand-binding domain (codons 180-220 and 300-350) of HNF4A, which is defined as critical for the protein’s function by the ClinGen MDEP (PM1_Supporting). This variant was identified in two unrelated individuals with non-autoimmune and non-absolute/near-absolute insulin-deficient diabetes; however, PS4_Moderate cannot be applied because this number is below the ClinGen MDEP threshold (PMID: 32670997, internal lab contributors). This variant was identified in an individual with a clinical history highly specific for HNF4A-MODY (including neonatal hypoglycemia, large for gestational age, and negative KCNJ11/ABCC8 germline sequencing) (PP4; PMID: 32670997). In summary, c.1033G>T meets the criteria to be classified as likely pathogenic for monogenic diabetes. ACMG/AMP criteria applied, as specified by the ClinGen MDEP (specification version 2.0.0, approved 10/11/2023): PM1_Supporting, PM2_Supporting, PP3, PP4, PS2_Moderate.

Geisinger Clinic, Geisinger Health System
Classification: Pathogenic for Maturity-onset diabetes of the young type 1. Last evaluated: 2022-08-02. Review status: criteria provided, single submitter. Criteria: ACMG Guidelines, 2015. Collection method: research. Allele origin: germline. Inheritance: Autosomal dominant inheritance. Affected: yes. Observed: 1 variant allele. Not counted in ClinVar's aggregate classification.
Comment: PP3, PM2, PS4_Supporting, PP1, PP4, PS2

Literature cited by the submitters: PubMed 36257325 (cited by Geisinger Clinic, Geisinger Health System).